The following is an entry in ClinVar:

NM_001199107.2(TBC1D24):c.1676A>G (p.Gln559Arg)

Gene: TBC1D24 (TBC1 domain family member 24; plus strand). Cytogenetic location: 16p13.3.
Variant type: single nucleotide variant.
Coding change: c.1676A>G on transcript NM_001199107.2 (MANE Select); coding-DNA position 1676, A replaced by G.
Protein change: p.Gln559Arg; replaces glutamine 559 with arginine.
Molecular consequence: missense variant.
Genome position (GRCh38, 1-based): chr16:2,500,954, A>G. VCF-style: chr16-2500954-A-G. GRCh37 (hg19) VCF-style: chr16-2550955-A-G.
Other names: c.1658A>G, p.Gln553Arg (NM_020705.3); short protein forms Q553R, Q559R.
Identifiers: ClinVar variation 1384130 (VCV001384130.6), dbSNP rs1427285339, ClinGen allele CA394382552.

ClinVar aggregate classification (germline): Uncertain significance (1 of 4 stars; one submission).

Conditions:
Developmental and epileptic encephalopathy, 1 (DEE1). Also called: X-linked infantile spasms; West's syndrome; Tonic spasms with clustering, arrest of psychomotor development and hypsarrhythmia on EEG; X-Linked Infantile Spasm Syndrome; OHTAHARA SYNDROME, X-LINKED; INFANTILE SPASM SYNDROME, X-LINKED 1. Identifiers: MedGen C3463992, MONDO:0010632, OMIM 308350. Disease mechanism: loss of function.
Autosomal dominant nonsyndromic hearing loss 65. Also called: TBC1D24-Related Autosomal Dominant Nonsyndromic Hearing Loss (DFNA); Deafness, autosomal dominant 65. Identifiers: Orphanet 90635, MedGen C3892048, MONDO:0014470, OMIM 616044.

Allele frequency attached by ClinVar (database versions not stated): TOPMed below 0.00001; gnomAD 0.00001; gnomAD exomes below 0.00001.
gnomAD v4.1: 4 of 1,610,366 alleles (0.00025%); highest among the groups gnomAD compares: Non-Finnish European, 0.00034%; no homozygotes.

Submission:

Labcorp Genetics (formerly Invitae), Labcorp
Classification: Uncertain significance for Developmental and epileptic encephalopathy, 1; Autosomal dominant nonsyndromic hearing loss 65. Last evaluated: 2021-11-27. Review status: criteria provided, single submitter. Criteria: Invitae Variant Classification Sherloc (09022015). Collection method: clinical testing. Allele origin: germline.
Comment: In summary, the available evidence is currently insufficient to determine the role of this variant in disease. Therefore, it has been classified as a Variant of Uncertain Significance. Advanced modeling of protein sequence and biophysical properties (such as structural, functional, and spatial information, amino acid conservation, physicochemical variation, residue mobility, and thermodynamic stability) performed at Invitae indicates that this missense variant is not expected to disrupt TBC1D24 protein function. This variant has not been reported in the literature in individuals affected with TBC1D24-related conditions. This variant is present in population databases (no rsID available, gnomAD 0.0009%). This sequence change replaces glutamine, which is neutral and polar, with arginine, which is basic and polar, at codon 559 of the TBC1D24 protein (p.Gln559Arg).